The following is an entry in ClinVar:

ClinVar aggregate classification (germline): Uncertain significance (1 of 4 stars; one submission).

Conditions:
Early-infantile DEE. Also called: Early infantile epileptic encephalopathy; Early infantile epileptic encephalopathy with suppression bursts; Ohtahara syndrome. Identifiers: Orphanet 1934, MedGen C0393706, MONDO:0800491.

Submission:

Labcorp Genetics (formerly Invitae), Labcorp
Classification: Uncertain significance for Early-infantile DEE. Last evaluated: 2022-08-16. Review status: criteria provided, single submitter. Criteria: Invitae Variant Classification Sherloc (09022015). Collection method: clinical testing. Allele origin: germline.
Comment: In summary, the available evidence is currently insufficient to determine the role of this variant in disease. Therefore, it has been classified as a Variant of Uncertain Significance. ClinVar contains an entry for this variant (Variation ID: 1504443). Advanced modeling of protein sequence and biophysical properties (such as structural, functional, and spatial information, amino acid conservation, physicochemical variation, residue mobility, and thermodynamic stability) performed at Invitae indicates that this missense variant is not expected to disrupt GNAO1 protein function. This sequence change replaces aspartic acid, which is acidic and polar, with asparagine, which is neutral and polar, at codon 26 of the GNAO1 protein (p.Asp26Asn). This variant is not present in population databases (gnomAD no frequency). This variant has not been reported in the literature in individuals affected with GNAO1-related conditions.

NM_020988.3(GNAO1):c.76G>A (p.Asp26Asn)

Gene: GNAO1 (G protein subunit alpha o1; plus strand). Cytogenetic location: 16q13.
Variant type: single nucleotide variant.
Coding change: c.76G>A on transcript NM_020988.3 (MANE Select); coding-DNA position 76, G replaced by A.
Protein change: p.Asp26Asn; replaces aspartic acid 26 with asparagine.
Molecular consequence: missense variant.
Genome position (GRCh38, 1-based): chr16:56,192,311, G>A. VCF-style: chr16-56192311-G-A. GRCh37 (hg19) VCF-style: chr16-56226223-G-A.
Other names: c.76G>A, p.Asp26Asn (NM_138736.3); short protein forms D26N.
Identifiers: ClinVar variation 1504443 (VCV001504443.9), dbSNP rs2143270433, ClinGen allele CA396128459.